The following is an entry in ClinVar:

ClinVar aggregate classification (germline): Uncertain significance. Review status: criteria provided, multiple submitters, no conflicts (2 of 4 stars). 2 submissions from 2 submitters: Uncertain significance (2). Last evaluated 2024-10-29.

Conditions:
Inborn genetic diseases. Identifiers: MedGen C0950123, MeSH D030342.

Allele frequency attached by ClinVar (database versions not stated): TOPMed 0.00001.
gnomAD v4.1: 9 of 1,565,336 alleles (0.00057%); highest among the groups gnomAD compares: South Asian, 0.0012%; no homozygotes.

Submissions (2):

Ambry Genetics
Classification: Uncertain significance for Inborn genetic diseases. Last evaluated: 2024-10-29. Review status: criteria provided, single submitter. Criteria: Ambry Variant Classification Scheme 2023. Collection method: clinical testing. Allele origin: germline.

GeneDx
Classification: Uncertain significance. Last evaluated: 2021-12-09. Review status: criteria provided, single submitter. Criteria: GeneDx Variant Classification Process June 2021. Collection method: clinical testing. Allele origin: germline. Affected: yes.
Comment: In silico analysis supports that this missense variant does not alter protein structure/function; Has not been previously published as pathogenic or benign to our knowledge

NM_001385012.1(NBEA):c.116G>A (p.Gly39Asp)

Gene: NBEA (neurobeachin; plus strand). Cytogenetic location: 13q13.3.
Variant type: single nucleotide variant.
Coding change: c.116G>A on transcript NM_001385012.1 (MANE Select); coding-DNA position 116, G replaced by A.
Protein change: p.Gly39Asp; replaces glycine 39 with aspartic acid.
Molecular consequence: missense variant.
Genome position (GRCh38, 1-based): chr13:34,942,936, G>A. VCF-style: chr13-34942936-G-A. GRCh37 (hg19) VCF-style: chr13-35517073-G-A.
Other names: c.116G>A, p.Gly39Asp (NM_001379245.1, NM_015678.5); short protein forms G39D.
Identifiers: ClinVar variation 1691636 (VCV001691636.4), dbSNP rs1405675802, ClinGen allele CA387832032.
Genomic context (GRCh38, chr13:34,942,936, plus strand): 5'-TCATTGCCGTCGGGGCCGCTGGCGGAGGCGGCGGGGGCAGCGGTGGTGGCGGCACCGGGG[G>A]CAGCGGGATGGGGGAGCTAAGGGGGGCGTCCGGCTCCGGCTCGGTGATGCTCCCCGCGGG-3'
Protein context (NP_001371941.1, residues 29-49): GGGSGGGGTG[Gly39Asp]SGMGELRGAS